The following is an entry in ClinVar:

NM_178170.3(NEK8):c.57C>T (p.His19=)

Gene: NEK8 (NIMA related kinase 8; plus strand). Cytogenetic location: 17q11.2.
Variant type: single nucleotide variant.
Coding change: c.57C>T on transcript NM_178170.3 (MANE Select); coding-DNA position 57, C replaced by T.
Protein change: p.His19=; no amino-acid change (histidine 19 retained).
Molecular consequence: synonymous variant.
Genome position (GRCh38, 1-based): chr17:28,733,992, C>T. VCF-style: chr17-28733992-C-T. GRCh37 (hg19) VCF-style: chr17-27061010-C-T.
Other names: c.57C>T (NM_178170.2).
Identifiers: ClinVar variation 2862687 (VCV002862687.4), dbSNP rs748430513, ClinGen allele CA8467016.
Genomic context (GRCh38, chr17:28,733,992, plus strand): 5'-ATGTGGCTGGAGGCTTAGCTGGTAACCTGTCCCTGTCCTCCGTATCCCTAGGATTGTGCA[C>T]CTGTGCCTGCGAAAGGCTGACCAGAAGCTGGTGATCATCAAGCAGATTCCAGTGGAACAG-3'
Protein context (NP_835464.1, residues 9-29): VVGRGAFGIV[His19=]LCLRKADQKL

ClinVar aggregate classification (germline): Conflicting classifications of pathogenicity. Review status: criteria provided, conflicting classifications (1 of 4 stars). 2 submissions from 2 submitters: Uncertain significance (1); Likely benign (1). Last evaluated 2025-06-03.

Conditions:
Nephronophthisis 9 (NPHP9). Identifiers: Orphanet 655, MedGen C3151188, MONDO:0013444, OMIM 613824.

Allele frequency attached by ClinVar (database versions not stated): gnomAD exomes 0.00001; gnomAD 0.00001; ExAC 0.00002; TOPMed 0.00001.
gnomAD v4.1: 8 of 1,614,024 alleles (0.0005%); highest among the groups gnomAD compares: Admixed American, 0.0067%; no homozygotes.

Submissions (2):

Labcorp Genetics (formerly Invitae), Labcorp
Classification: Likely benign for Nephronophthisis 9. Last evaluated: 2025-06-03. Review status: criteria provided, single submitter. Criteria: Invitae Variant Classification Sherloc (09022015). Collection method: clinical testing. Allele origin: germline.

GeneDx
Classification: Uncertain significance. Last evaluated: 2023-05-30. Review status: criteria provided, single submitter. Criteria: GeneDx Variant Classification Process June 2021. Collection method: clinical testing. Allele origin: germline. Affected: yes.
Comment: In silico analysis supports that this variant does not alter splicing; Has not been previously published as pathogenic or benign to our knowledge